The following is an entry in ClinVar:

ClinVar aggregate classification (germline): Pathogenic. Review status: criteria provided, single submitter (1 of 4 stars). 2 submissions from 2 submitters: Pathogenic (1). 1 of the submissions does not count toward it. Last evaluated 2025-08-13.

Conditions:
Peeling skin syndrome 4 (PSS4). Also called: Ichthyosis bullosa of Siemens-like. Identifiers: Orphanet 289586, MedGen C4225407, MONDO:0011937, OMIM 607936.

Allele frequency attached by ClinVar (database versions not stated): ExAC 0.00001.

Submissions (2):

3billion
Classification: Pathogenic for Peeling skin syndrome 4. Last evaluated: 2025-08-13. Review status: criteria provided, single submitter. Criteria: ACMG Guidelines, 2015. Collection method: clinical testing. Allele origin: germline. Affected: yes.
Comment: The variant is not observed in the gnomAD v4.1.0 dataset. Predicted Consequence/Location: Canonical splice site: predicted to alter splicing and result in a loss or disruption of normal protein function. Multiple pathogenic loss-of-function variants are reported downstream of the variant. In silico tools predict the variant to alter splicing and produce an abnormal transcript [SpliceAI: 1.00 (spliceogenicity >=0.2, non-spliceogenicity <0.1)]. The variant has been reported to be associated with CSTA-related disorder (ClinVar ID: VCV000029892 /PMID: 21944047). However, the evidence of pathogenicity is insufficient at this time. Therefore, this variant is classified as Pathogenic according to the recommendation of ACMG/AMP guideline.

OMIM
Classification: Pathogenic for PEELING SKIN SYNDROME 4. Last evaluated: 2011-10-07. Review status: no assertion criteria provided. Collection method: literature only. Allele origin: germline. Not counted in ClinVar's aggregate classification.

Literature cited by the submitters: PubMed 21944047 (cited by 3billion and OMIM); PubMed 12890214 (cited by OMIM).

NM_005213.4(CSTA):c.67-2A>T

Gene: CSTA (cystatin A; plus strand). Cytogenetic location: 3q21.1.
Variant type: single nucleotide variant.
Coding change: c.67-2A>T on transcript NM_005213.4 (MANE Select); the canonical splice acceptor site of the intron before coding-DNA position 67, A replaced by T.
Molecular consequence: splice acceptor variant.
Genome position (GRCh38, 1-based): chr3:122,337,545, A>T. VCF-style: chr3-122337545-A-T. GRCh37 (hg19) VCF-style: chr3-122056392-A-T.
Other names: IVS1, A-T, -2.
Identifiers: ClinVar variation 29892 (VCV000029892.3), dbSNP rs398122804, ClinGen allele CA128714.